The following is an entry in ClinVar:

ClinVar aggregate classification (germline): Benign (1 of 4 stars; one submission).

Allele frequency attached by ClinVar (database versions not stated): 1000 Genomes Project 0.00240; 1000 Genomes Project 30x 0.00312; TOPMed 0.00631; gnomAD 0.00692; gnomAD exomes 0.00818.
gnomAD v4.1: 3,072 of 398,556 alleles (0.77%); highest among the groups gnomAD compares: Middle Eastern, 2.5%; 22 homozygotes.

Submission:

CeGaT Center for Human Genetics Tuebingen
Classification: Benign. Last evaluated: 2023-06-01. Review status: criteria provided, single submitter. Criteria: CeGaT Center For Human Genetics Tuebingen Variant Classification Criteria Version 2. Collection method: clinical testing. Allele origin: germline. Affected: yes. Observed: 1 variant allele.
Comment: MIAT: BS1, BS2

NR_033320.3(MIAT):n.4297T>C

Gene: MIAT (myocardial infarction associated transcript; plus strand). Cytogenetic location: 22q12.1.
Variant type: single nucleotide variant.
Molecular consequence: non-coding transcript variant (on NR_033320.3).
Genome position: GRCh38 VCF-style: chr22-26670771-T-C. GRCh37 (hg19) VCF-style: chr22-27066734-T-C.
Identifiers: ClinVar variation 2653010 (VCV002653010.24), dbSNP rs73163297, ClinGen allele CA14956973.